The following is an entry in ClinVar:

NM_004168.4(SDHA):c.1665_1670delinsTCCC (p.Met556fs)

Gene: SDHA (succinate dehydrogenase complex flavoprotein subunit A; plus strand). Cytogenetic location: 5p15.33.
Variant type: Indel.
Coding change: c.1665_1670delinsTCCC on transcript NM_004168.4 (MANE Select); coding-DNA positions 1665 to 1670, AATGGT replaced by TCCC.
Protein change: p.Met556fs; shifts the reading frame from methionine 556.
Molecular consequence: frameshift variant. On other transcripts: intron variant (1).
Genome position (GRCh38, 1-based): chr5:251,339-251,344, AATGGT replaced by TCCC. VCF-style: chr5-251339-AATGGT-TCCC. GRCh37 (hg19) VCF-style: chr5-251454-AATGGT-TCCC.
Other names: c.1521_1526delinsTCCC, p.Met508fs (NM_001294332.2); c.1552-3054_1552-3049delinsTCCC (NM_001330758.2); c.1665_1670delAATGGTinsTCCC (NM_004168.2); short protein forms M508fs, M556fs.
Identifiers: ClinVar variation 2673992 (VCV002673992.2), dbSNP rs2477457583, ClinGen allele CA2695198572.
Genomic context (GRCh38, chr5:251,339, plus strand): 5'-TCGGAGGGCCCATGTGACTGGGTCCCGCCTGCCCCTGATGGAACTTTTTGTGTCCCCAGG[AATGGT>TCCC]CTGGAACACGGACCTGGTGGAGACCCTGGAGCTGCAGAACCTGATGCTGTGTGCGCTGCA-3'

ClinVar aggregate classification (germline): Pathogenic. Review status: criteria provided, multiple submitters, no conflicts (2 of 4 stars). 2 submissions from 2 submitters: Pathogenic (2). Last evaluated 2025-01-08.

Conditions:
Pheochromocytoma/paraganglioma syndrome 5. Also called: Paragangliomas 5; SDHA-Related Hereditary Paraganglioma-Pheochromocytoma Syndrome. Identifiers: Orphanet 29072, MedGen C3279992, MONDO:0013602, OMIM 614165.
Hereditary cancer-predisposing syndrome. Also called: Hereditary neoplastic syndrome; Neoplastic Syndromes, Hereditary; Tumor predisposition; Hereditary Cancer Syndrome. Identifiers: Orphanet 140162, MedGen C0027672, MeSH D009386, MONDO:0015356.

Submissions (2):

Ambry Genetics
Classification: Pathogenic for Hereditary cancer-predisposing syndrome. Last evaluated: 2025-01-08. Review status: criteria provided, single submitter. Criteria: Ambry Variant Classification Scheme 2023. Collection method: clinical testing. Allele origin: germline.
Comment: The c.1665_1670delAATGGTinsTCCC pathogenic mutation, located in coding exon 13 of the SDHA gene, results from the deletion of 6 nucleotides and insertion of 4 nucleotides causing a translational frameshift with a predicted alternate stop codon (p.M556Pfs*46). This alteration is expected to result in loss of function by premature protein truncation or nonsense-mediated mRNA decay. As such, this alteration is interpreted as a disease-causing mutation.

Myriad Genetics, Inc.
Classification: Pathogenic for Pheochromocytoma/paraganglioma syndrome 5. Last evaluated: 2023-10-25. Review status: criteria provided, single submitter. Criteria: Myriad Autosomal Dominant, Autosomal Recessive and X-Linked Classification Criteria (2023). Collection method: clinical testing. Allele origin: unknown.
Comment: This variant is considered pathogenic. This variant creates a frameshift predicted to result in premature protein truncation.